The following is an entry in ClinVar:

NM_000465.4(BARD1):c.1911del (p.Ala638fs)

Gene: BARD1 (BRCA1 associated RING domain 1; minus strand). Cytogenetic location: 2q35.
Variant type: Deletion.
Coding change: c.1911del on transcript NM_000465.4 (MANE Select); coding-DNA position 1911, one base deleted (A; older notation c.1911delA).
Protein change: p.Ala638fs; shifts the reading frame from alanine 638.
Molecular consequence: frameshift variant. On other transcripts: non-coding transcript variant (3).
Genome position (GRCh38, 1-based): chr2:214,730,501, T deleted on the plus strand (A on the coding strand, the reverse complement: BARD1 is on the minus strand); the first of 4 consecutive T bases (chr2:214,730,501-214,730,504); deleting any one gives the same sequence. VCF-style (leftmost placement, unchanged base first): chr2-214730500-CT-C. GRCh37 (hg19) VCF-style: chr2-215595224-CT-C.
Other names: c.1854del, p.Ala619fs (NM_001282543.2); c.558del, p.Ala187fs (NM_001282545.2); c.501del, p.Ala168fs (NM_001282548.2); c.372del, p.Ala125fs (NM_001282549.2); short protein forms A125fs, A168fs, A187fs, A619fs, A638fs.
Identifiers: ClinVar variation 2583206 (VCV002583206.2), dbSNP rs2469277857, ClinGen allele CA2582342062.

ClinVar aggregate classification (germline): Pathogenic (1 of 4 stars; one submission).

Conditions:
Familial cancer of breast. Also called: Hereditary breast cancer; BREAST CANCER, FAMILIAL; hereditary breast carcinoma. Identifiers: Orphanet 227535, MedGen C0346153, MONDO:0016419, OMIM 114480. Disease mechanism: loss of function.

Submission:

Myriad Genetics, Inc.
Classification: Pathogenic for Familial cancer of breast. Last evaluated: 2023-05-24. Review status: criteria provided, single submitter. Criteria: Myriad Autosomal Dominant, Autosomal Recessive and X-Linked Classification Criteria (2023). Collection method: clinical testing. Allele origin: unknown.
Comment: This variant is considered pathogenic. This variant creates a frameshift predicted to result in premature protein truncation.